The following is an entry in ClinVar:

ClinVar aggregate classification (germline): Conflicting classifications of pathogenicity. Review status: criteria provided, conflicting classifications (1 of 4 stars). 7 submissions from 7 submitters: Uncertain significance (6); Likely benign (1). Last evaluated 2026-01-19.

Conditions:
LAMA2-related muscular dystrophy (LAMA2-RD). Also called: Laminin alpha 2-related dystrophy. Identifiers: MedGen C5679788, MONDO:0100228.
Congenital muscular dystrophy due to partial LAMA2 deficiency. Identifiers: MedGen C1842898.

Allele frequency attached by ClinVar (database versions not stated): ExAC 0.00012; gnomAD 0.00012 and 0.00013; ESP Exome Variant Server 0.00015; gnomAD exomes 0.00015 and 0.00016; TOPMed 0.00015; 1000 Genomes Project 30x 0.00031; 1000 Genomes Project 0.00040.
gnomAD v4.1: 270 of 1,613,020 alleles (0.017%); highest among the groups gnomAD compares: Admixed American, 0.023%; no homozygotes.

Submissions (7):

Labcorp Genetics (formerly Invitae), Labcorp
Classification: Likely benign for LAMA2-related muscular dystrophy. Last evaluated: 2026-01-19. Review status: criteria provided, single submitter. Criteria: Invitae Variant Classification Sherloc (09022015). Collection method: clinical testing. Allele origin: germline.

Revvity Omics, Revvity
Classification: Uncertain significance. Last evaluated: 2024-09-25. Review status: criteria provided, single submitter. Criteria: ACMG Guidelines, 2015. Collection method: clinical testing. Allele origin: germline.

Blueprint Genetics
Classification: Uncertain significance. Last evaluated: 2024-09-11. Review status: criteria provided, single submitter. Criteria: ACMG Guidelines, 2015. Collection method: clinical testing. Allele origin: germline.

GeneDx
Classification: Uncertain significance. Last evaluated: 2024-08-06. Review status: criteria provided, single submitter. Criteria: GeneDx Variant Classification Process June 2021. Collection method: clinical testing. Allele origin: germline. Affected: yes.
Comment: In silico analysis indicates that this missense variant does not alter protein structure/function; Has not been previously published as pathogenic or benign to our knowledge

Mayo Clinic Laboratories, Mayo Clinic
Classification: Uncertain significance. Last evaluated: 2024-06-24. Review status: criteria provided, single submitter. Criteria: ACMG Guidelines, 2015. Collection method: clinical testing. Allele origin: germline. Observed: 1 variant allele.
Comment: BS1

Illumina Laboratory Services, Illumina
Classification: Uncertain significance for Congenital muscular dystrophy due to partial LAMA2 deficiency. Last evaluated: 2018-03-02. Review status: criteria provided, single submitter. Criteria: ICSL Variant Classification Criteria 13 December 2019. Collection method: clinical testing. Allele origin: germline.

CeGaT Center for Human Genetics Tuebingen
Classification: Uncertain significance. Last evaluated: 2017-04-01. Review status: criteria provided, single submitter. Criteria: CeGaT Center For Human Genetics Tuebingen Variant Classification Criteria Version 2. Collection method: clinical testing. Allele origin: germline. Affected: yes. Observed: 1 variant allele.

NM_000426.4(LAMA2):c.9001G>C (p.Val3001Leu)

Gene: LAMA2 (laminin subunit alpha 2; plus strand). Cytogenetic location: 6q22.33.
Variant type: single nucleotide variant.
Coding change: c.9001G>C on transcript NM_000426.4 (MANE Select); coding-DNA position 9001, G replaced by C.
Protein change: p.Val3001Leu; replaces valine 3001 with leucine.
Molecular consequence: missense variant.
Genome position (GRCh38, 1-based): chr6:129,514,385, G>C. VCF-style: chr6-129514385-G-C. GRCh37 (hg19) VCF-style: chr6-129835530-G-C.
Other names: p.Val3001Leu; c.8989G>C, p.Val2997Leu (NM_001079823.2); short protein forms V3001L, V2997L.
Identifiers: ClinVar variation 429836 (VCV000429836.58), dbSNP rs189360899, ClinGen allele CA3995011.